The following is an entry in ClinVar:

ClinVar aggregate classification (germline): Uncertain significance (1 of 4 stars; one submission).

Submission:

GeneDx
Classification: Uncertain significance. Last evaluated: 2025-02-20. Review status: criteria provided, single submitter. Criteria: GeneDx Variant Classification Process June 2021. Collection method: clinical testing. Allele origin: germline. Affected: yes.
Comment: Not observed at significant frequency in large population cohorts (gnomAD); In silico analysis supports that this missense variant has a deleterious effect on protein structure/function; Has not been previously published as pathogenic or benign to our knowledge

NM_001001331.4(ATP2B2):c.322C>G (p.Leu108Val)

Gene: ATP2B2 (ATPase plasma membrane Ca2+ transporting 2; minus strand). Cytogenetic location: 3p25.3.
Variant type: single nucleotide variant.
Coding change: c.322C>G on transcript NM_001001331.4 (MANE Select); coding-DNA position 322, C replaced by G.
Protein change: p.Leu108Val; replaces leucine 108 with valine.
Molecular consequence: missense variant.
Genome position (GRCh38, 1-based): chr3:10,410,693, G>C on the plus strand (C>G on the coding strand, the complement: ATP2B2 is on the minus strand). VCF-style: chr3-10410693-G-C. GRCh37 (hg19) VCF-style: chr3-10452377-G-C.
Other names: c.322C>G, p.Leu108Val (NM_001330611.3, NM_001353564.1, NM_001363862.1 and 3 more transcripts); short protein forms L108V.
Identifiers: ClinVar variation 4076870 (VCV004076870.1).